The following is an entry in ClinVar:

NM_020987.5(ANK3):c.10459T>C (p.Ser3487Pro)

Gene: ANK3 (ankyrin 3; minus strand). Cytogenetic location: 10q21.2.
Variant type: single nucleotide variant.
Coding change: c.10459T>C on transcript NM_020987.5 (MANE Select); coding-DNA position 10459, T replaced by C.
Protein change: p.Ser3487Pro; replaces serine 3487 with proline.
Molecular consequence: missense variant. On other transcripts: intron variant (4).
Genome position (GRCh38, 1-based): chr10:60,070,422, A>G on the plus strand (T>C on the coding strand, the complement: ANK3 is on the minus strand). VCF-style: chr10-60070422-A-G. GRCh37 (hg19) VCF-style: chr10-61830180-A-G.
Other names: c.4388-2413T>C (NM_001204403.2); c.4409-2413T>C (NM_001204404.2); c.4406-2413T>C (NM_001320874.2); c.1808-2413T>C (NM_001149.4); short protein forms S3487P.
Identifiers: ClinVar variation 1440239 (VCV001440239.6), dbSNP rs138339150, ClinGen allele CA5511240.

ClinVar aggregate classification (germline): Uncertain significance (1 of 4 stars; one submission).

gnomAD v4.1: 11 of 1,614,084 alleles (0.00068%); highest among the groups gnomAD compares: Admixed American, 0.018%; no homozygotes.

Submission:

Labcorp Genetics (formerly Invitae), Labcorp
Classification: Uncertain significance. Last evaluated: 2025-04-21. Review status: criteria provided, single submitter. Criteria: Invitae Variant Classification Sherloc (09022015). Collection method: clinical testing. Allele origin: germline.
Comment: This sequence change replaces serine, which is neutral and polar, with proline, which is neutral and non-polar, at codon 3487 of the ANK3 protein (p.Ser3487Pro). This variant is present in population databases (rs138339150, gnomAD 0.03%). This variant has not been reported in the literature in individuals affected with ANK3-related conditions. ClinVar contains an entry for this variant (Variation ID: 1440239). Invitae Evidence Modeling of protein sequence and biophysical properties (such as structural, functional, and spatial information, amino acid conservation, physicochemical variation, residue mobility, and thermodynamic stability) indicates that this missense variant is not expected to disrupt ANK3 protein function with a negative predictive value of 80%. In summary, the available evidence is currently insufficient to determine the role of this variant in disease. Therefore, it has been classified as a Variant of Uncertain Significance.